The following is an entry in ClinVar:

ClinVar aggregate classification (germline): Uncertain significance (1 of 4 stars; one submission).

Submission:

GeneDx
Classification: Uncertain significance. Last evaluated: 2022-01-18. Review status: criteria provided, single submitter. Criteria: GeneDx Variant Classification Process June 2021. Collection method: clinical testing. Allele origin: germline. Affected: yes.
Comment: Not observed at significant frequency in large population cohorts (gnomAD); In silico analysis supports that this missense variant does not alter protein structure/function; Has not been previously published as pathogenic or benign to our knowledge

NM_020964.3(EPG5):c.1217T>C (p.Val406Ala)

Gene: EPG5 (ectopic P-granules 5 autophagy tethering factor; minus strand). Cytogenetic location: 18q21.1.
Variant type: single nucleotide variant.
Coding change: c.1217T>C on transcript NM_020964.3 (MANE Select); coding-DNA position 1217, T replaced by C.
Protein change: p.Val406Ala; replaces valine 406 with alanine.
Molecular consequence: missense variant.
Genome position (GRCh38, 1-based): chr18:45,952,435, A>G on the plus strand (T>C on the coding strand, the complement: EPG5 is on the minus strand). VCF-style: chr18-45952435-A-G. GRCh37 (hg19) VCF-style: chr18-43532401-A-G.
Other names: short protein forms V406A.
Identifiers: ClinVar variation 1697065 (VCV001697065.2), dbSNP rs2143745556, ClinGen allele CA402349879.
Genomic context (GRCh38, chr18:45,952,435, plus strand): 5'-AAAGAGAGCTTCATTACTTACATACCTCGGCCTTGCTGGTGAATTGCTGAAGATCTCAGA[A>G]CAGCTGAACTACTGAGCAATGCATAGATGTAAGACTCCACTTGCAATCTTGAGAGCACAG-3'
Protein context (NP_066015.2, residues 396-416): YIYALLSSSA[Val406Ala]LRSSAIHQQG